The following is an entry in ClinVar:

NM_001384474.1(LOXHD1):c.326+1G>A

Gene: LOXHD1 (lipoxygenase homology PLAT domains 1; minus strand). Cytogenetic location: 18q21.1.
Variant type: single nucleotide variant.
Coding change: c.326+1G>A on transcript NM_001384474.1 (MANE Select); the canonical splice donor site of the intron after coding-DNA position 326, G replaced by A.
Molecular consequence: splice donor variant.
Genome position (GRCh38, 1-based): chr18:46,641,955, C>T on the plus strand (G>A on the coding strand, the complement: LOXHD1 is on the minus strand). VCF-style: chr18-46641955-C-T. GRCh37 (hg19) VCF-style: chr18-44221918-C-T.
Other names: c.326+1G>A (NM_144612.7).
Identifiers: ClinVar variation 1480703 (VCV001480703.7), dbSNP rs1215109986, ClinGen allele CA402370586.

ClinVar aggregate classification (germline): Pathogenic/Likely pathogenic. Review status: criteria provided, multiple submitters, no conflicts (2 of 4 stars). 2 submissions from 2 submitters: Pathogenic (1); Likely pathogenic (1). Last evaluated 2024-09-19.

Conditions:
LOXHD1-related disorder. Also called: LOXHD1-related condition.

Allele frequency attached by ClinVar (database versions not stated): TOPMed below 0.00001; gnomAD 0.00001; gnomAD exomes 0.00001.
gnomAD v4.1: 10 of 1,551,520 alleles (0.00064%); highest among the groups gnomAD compares: Non-Finnish European, 0.00087%; no homozygotes.

Submissions (2):

Blueprint Genetics
Classification: Pathogenic for LOXHD1-related disorders. Last evaluated: 2024-09-19. Review status: criteria provided, single submitter. Criteria: ACMG Guidelines, 2015. Collection method: clinical testing. Allele origin: germline. Affected: yes. Observed: 5 variant alleles.

Labcorp Genetics (formerly Invitae), Labcorp
Classification: Likely pathogenic. Last evaluated: 2024-09-02. Review status: criteria provided, single submitter. Criteria: Invitae Variant Classification Sherloc (09022015). Collection method: clinical testing. Allele origin: germline.
Comment: This sequence change affects a donor splice site in intron 3 of the LOXHD1 gene. It is expected to disrupt RNA splicing. Variants that disrupt the donor or acceptor splice site typically lead to a loss of protein function (PMID: 16199547), and loss-of-function variants in LOXHD1 are known to be pathogenic (PMID: 19732867, 21465660, 25792669). This variant is not present in population databases (gnomAD no frequency). Disruption of this splice site has been observed in individual(s) with deafness (internal data). ClinVar contains an entry for this variant (Variation ID: 1480703). Algorithms developed to predict the effect of sequence changes on RNA splicing suggest that this variant may disrupt the consensus splice site. In summary, the currently available evidence indicates that the variant is pathogenic, but additional data are needed to prove that conclusively. Therefore, this variant has been classified as Likely Pathogenic.

Literature cited by the submitters: PubMed 16199547 (cited by Labcorp Genetics (formerly Invitae), Labcorp); PubMed 19732867 (cited by Labcorp Genetics (formerly Invitae), Labcorp); PubMed 21465660 (cited by Labcorp Genetics (formerly Invitae), Labcorp); PubMed 25792669 (cited by Labcorp Genetics (formerly Invitae), Labcorp).